The following is an entry in ClinVar:

NM_000268.4(NF2):c.874G>T (p.Val292Phe)

Gene: NF2 (NF2, moesin-ezrin-radixin like (MERLIN) tumor suppressor; plus strand). Cytogenetic location: 22q12.2.
Variant type: single nucleotide variant.
Coding change: c.874G>T on transcript NM_000268.4 (MANE Select); coding-DNA position 874, G replaced by T.
Protein change: p.Val292Phe; replaces valine 292 with phenylalanine.
Molecular consequence: missense variant. On other transcripts: non-coding transcript variant (1), intron variant (1).
Genome position (GRCh38, 1-based): chr22:29,665,053, G>T. VCF-style: chr22-29665053-G-T. GRCh37 (hg19) VCF-style: chr22-30061042-G-T.
Other names: c.760G>T, p.Val254Phe (NM_001407053.1, NM_001407056.1); c.751G>T, p.Val251Phe (NM_001407054.1, NM_001407058.1, NM_181829.3); c.748G>T, p.Val250Phe (NM_001407055.1, NM_181828.3); c.739G>T, p.Val247Phe (NM_001407057.1, NM_001407059.1); c.874G>T, p.Val292Phe (NM_001407060.1, NM_001407066.1, NM_016418.5 and 2 more transcripts); c.616G>T, p.Val206Phe (NM_001407062.1); c.625G>T, p.Val209Phe (NM_001407063.1, NM_001407064.1, NM_181830.3 and 1 more transcripts); c.340G>T, p.Val114Phe (NM_001407065.1); and 2 more; short protein forms V114F, V206F, V251F, V215F, V247F, V292F, V209F, V250F.
Identifiers: ClinVar variation 3879169 (VCV003879169.1).

ClinVar aggregate classification (germline): Uncertain significance (1 of 4 stars; one submission).

Conditions:
Hereditary cancer-predisposing syndrome. Also called: Tumor predisposition; Neoplastic Syndromes, Hereditary; Hereditary Cancer Syndrome; Hereditary neoplastic syndrome. Identifiers: Orphanet 140162, MedGen C0027672, MeSH D009386, MONDO:0015356.

Submission:

Ambry Genetics
Classification: Uncertain significance for Hereditary cancer-predisposing syndrome. Last evaluated: 2025-01-06. Review status: criteria provided, single submitter. Criteria: Ambry Variant Classification Scheme 2023. Collection method: clinical testing. Allele origin: germline.
Comment: The p.V292F variant (also known as c.874G>T), located in coding exon 9 of the NF2 gene, results from a G to T substitution at nucleotide position 874. The valine at codon 292 is replaced by phenylalanine, an amino acid with highly similar properties. This amino acid position is conserved. In addition, this alteration is predicted to be deleterious by in silico analysis. Based on the available evidence, the clinical significance of this variant remains unclear.